The following is an entry in ClinVar:

NM_006514.4(SCN10A):c.270+133A>T

Gene: SCN10A (sodium voltage-gated channel alpha subunit 10; minus strand). Cytogenetic location: 3p22.2.
Variant type: single nucleotide variant.
Coding change: c.270+133A>T on transcript NM_006514.4 (MANE Select); 133 bases into the intron after coding-DNA position 270, A replaced by T.
Molecular consequence: intron variant.
Genome position (GRCh38, 1-based): chr3:38,793,608, T>A on the plus strand (A>T on the coding strand, the complement: SCN10A is on the minus strand). VCF-style: chr3-38793608-T-A. GRCh37 (hg19) VCF-style: chr3-38835099-T-A.
Other names: c.270+133A>T (NM_001293307.2, NM_001293306.2).
Identifiers: ClinVar variation 670901 (VCV000670901.1), dbSNP rs79414348, ClinGen allele CA72963379.

ClinVar aggregate classification (germline): Benign (1 of 4 stars; one submission).

Allele frequency attached by ClinVar (database versions not stated): 1000 Genomes Project 0.03974; gnomAD 0.04035 and 0.04285; TOPMed 0.04184; 1000 Genomes Project 30x 0.04247.
gnomAD v4.1: 12,821 of 724,342 alleles (1.8%); highest among the groups gnomAD compares: African/African-American, 11%; 361 homozygotes.

Submission:

GeneDx
Classification: Benign. Last evaluated: 2018-06-15. Review status: criteria provided, single submitter. Criteria: GeneDx Variant Classification (06012015). Collection method: clinical testing. Allele origin: germline. Affected: yes.
Comment: This variant is considered likely benign or benign based on one or more of the following criteria: it is a conservative change, it occurs at a poorly conserved position in the protein, it is predicted to be benign by multiple in silico algorithms, and/or has population frequency not consistent with disease.